The following is an entry in ClinVar:

NM_000194.3(HPRT1):c.420C>A (p.Gly140=)

Gene: HPRT1 (hypoxanthine phosphoribosyltransferase 1; plus strand). Cytogenetic location: Xq26.2.
Variant type: single nucleotide variant.
Coding change: c.420C>A on transcript NM_000194.3 (MANE Select); coding-DNA position 420, C replaced by A.
Protein change: p.Gly140=; no amino-acid change (glycine 140 retained).
Molecular consequence: synonymous variant.
Genome position (GRCh38, 1-based): chrX:134,493,525, C>A. VCF-style: chrX-134493525-C-A. GRCh37 (hg19) VCF-style: chrX-133627555-C-A.
Identifiers: ClinVar variation 2945000 (VCV002945000.7), dbSNP rs757630214, ClinGen allele CA10521414.

ClinVar aggregate classification (germline): Benign/Likely benign. Review status: criteria provided, multiple submitters, no conflicts (2 of 4 stars). 2 submissions from 2 submitters: Benign (1); Likely benign (1). Last evaluated 2026-01-01.

Conditions:
Partial hypoxanthine-guanine phosphoribosyltransferase deficiency. Also called: Kelley-Seegmiller Syndrome; HPRT DEFICIENCY, PARTIAL; HYPOXANTHINE GUANINE PHOSPHORIBOSYLTRANSFERASE 1 DEFICIENCY, PARTIAL; GOUT, HPRT-RELATED; HPRT1 DEFICIENCY, PARTIAL. Identifiers: Orphanet 79233, MedGen C0268117, MONDO:0010299, OMIM 300323.
Lesch-Nyhan syndrome (LNS). Also called: HPRT DEFICIENCY, COMPLETE; Lesch-Nyhan Disease (LND). Identifiers: Orphanet 510, MedGen C0023374, MONDO:0010298, OMIM 300322.

Allele frequency attached by ClinVar (database versions not stated): ExAC 0.00001; gnomAD exomes 0.00001.
gnomAD v4.1: 14 of 1,204,238 alleles (0.0012%); highest among the groups gnomAD compares: South Asian, 0.025%; no homozygotes.

Submissions (2):

CeGaT Center for Human Genetics Tuebingen
Classification: Likely benign. Last evaluated: 2026-01-01. Review status: criteria provided, single submitter. Criteria: CeGaT Center For Human Genetics Tuebingen Variant Classification Criteria Version 2. Collection method: clinical testing. Allele origin: germline. Affected: yes. Observed: 1 variant allele.
Comment: HPRT1: BP4, BP7, BS2

Labcorp Genetics (formerly Invitae), Labcorp
Classification: Benign for Lesch-Nyhan syndrome; Partial hypoxanthine-guanine phosphoribosyltransferase deficiency. Last evaluated: 2023-10-14. Review status: criteria provided, single submitter. Criteria: Invitae Variant Classification Sherloc (09022015). Collection method: clinical testing. Allele origin: germline.